The following is an entry in ClinVar:

ClinVar aggregate classification (germline): Pathogenic (1 of 4 stars; one submission).

Conditions:
Neurodevelopmental disorder with coarse facies and mild distal skeletal abnormalities. Also called: STOLERMAN NEURODEVELOPMENTAL SYNDROME. Identifiers: MedGen C5193134, MONDO:0032790, OMIM 618505.

Submission:

Variantyx, Inc.
Classification: Pathogenic for Neurodevelopmental disorder with coarse facies and mild distal skeletal abnormalities. Last evaluated: 2025-12-19. Review status: criteria provided, single submitter. Criteria: Variantyx Assertion Criteria 2022. Collection method: clinical testing. Allele origin: de novo. Inheritance: Autosomal dominant inheritance. Affected: yes.
Comment: This is a nonsense variant in the KDM6B gene (OMIM: 611577). Pathogenic variants in this gene have been associated with autosomal dominant Stolerman neurodevelopmental syndrome. This variant introduces a premature termination codon in exon 13 out of 24 and is expected to result in loss of function, which is a known disease mechanism for KDM6B in this disorder (PMID: 31124279, 37196654) (PVS1). This variant is absent from control populations (PM2). This variant has not been reported in individuals with KDM6B-related disorders in the databases available for review. Based on the current evidence, this variant is classified as pathogenic for autosomal dominant Stolerman neurodevelopmental syndrome.

Literature cited by the submitters: PubMed 31124279; PubMed 37196654.

NM_001348716.2(KDM6B):c.3566dup (p.Tyr1189Ter)

Gene: KDM6B (lysine demethylase 6B; plus strand). Cytogenetic location: 17p13.1.
Variant type: Duplication.
Coding change: c.3566dup on transcript NM_001348716.2 (MANE Select); coding-DNA position 3566, one base duplicated (A; older notation c.3566dupA).
Protein change: p.Tyr1189Ter; replaces tyrosine 1189 with a stop codon.
Molecular consequence: nonsense.
Genome position (GRCh38, 1-based): chr17:7,849,946, A duplicated. VCF-style (leftmost placement, unchanged base first): chr17-7849945-T-TA. GRCh37 (hg19) VCF-style: chr17-7753263-T-TA.
Other names: c.3566dup, p.Tyr1189Ter (NM_001080424.2); short protein forms Y1189*.
Identifiers: ClinVar variation 4850784 (VCV004850784.1).